The following is an entry in ClinVar:

ClinVar aggregate classification (germline): Conflicting classifications of pathogenicity. Review status: criteria provided, conflicting classifications (1 of 4 stars). 3 submissions from 3 submitters: Uncertain significance (2); Likely benign (1). Last evaluated 2023-08-17.

Conditions:
Inborn genetic diseases. Identifiers: MedGen C0950123, MeSH D030342.
Intestinal hypomagnesemia 1. Also called: HYPOMAGNESEMIA, INTESTINAL, WITH SECONDARY HYPOCALCEMIA; HYPOMAGNESEMIC TETANY. Identifiers: Orphanet 30924, MedGen C1865974, MONDO:0011176, OMIM 602014.

Allele frequency attached by ClinVar (database versions not stated): TOPMed 0.00005; gnomAD exomes 0.00006 and 0.00012; gnomAD 0.00007 and 0.00008; ExAC 0.00011.
gnomAD v4.1: 111 of 1,614,092 alleles (0.0069%); highest among the groups gnomAD compares: Middle Eastern, 0.016%; 1 homozygote.

Submissions (3):

Labcorp Genetics (formerly Invitae), Labcorp
Classification: Likely benign. Last evaluated: 2023-08-17. Review status: criteria provided, single submitter. Criteria: Invitae Variant Classification Sherloc (09022015). Collection method: clinical testing. Allele origin: germline.

Ambry Genetics
Classification: Uncertain significance for Inborn genetic diseases. Last evaluated: 2021-02-19. Review status: criteria provided, single submitter. Criteria: Ambry Variant Classification Scheme 2023. Collection method: clinical testing. Allele origin: germline.
Comment: The c.2767G>T (p.A923S) alteration is located in exon 21 (coding exon 21) of the TRPM6 gene. This alteration results from a G to T substitution at nucleotide position 2767, causing the alanine (A) at amino acid position 923 to be replaced by a serine (S). The p.A923S alteration is predicted to be tolerated by in silico analysis. Based on insufficient or conflicting evidence, the clinical significance of this alteration remains unclear.

Illumina Laboratory Services, Illumina
Classification: Uncertain significance for Intestinal hypomagnesemia 1. Last evaluated: 2018-01-13. Review status: criteria provided, single submitter. Criteria: ICSL Variant Classification Criteria 13 December 2019. Collection method: clinical testing. Allele origin: germline.

NM_017662.5(TRPM6):c.2767G>T (p.Ala923Ser)

Gene: TRPM6 (transient receptor potential cation channel subfamily M member 6; minus strand). Cytogenetic location: 9q21.13.
Variant type: single nucleotide variant.
Coding change: c.2767G>T on transcript NM_017662.5 (MANE Select); coding-DNA position 2767, G replaced by T.
Protein change: p.Ala923Ser; replaces alanine 923 with serine.
Molecular consequence: missense variant.
Genome position (GRCh38, 1-based): chr9:74,786,026, C>A on the plus strand (G>T on the coding strand, the complement: TRPM6 is on the minus strand). VCF-style: chr9-74786026-C-A. GRCh37 (hg19) VCF-style: chr9-77400942-C-A.
Other names: c.2752G>T, p.Ala918Ser (NM_001177310.2, NM_001177311.2); short protein forms A918S, A923S.
Identifiers: ClinVar variation 726261 (VCV000726261.13), dbSNP rs776743221, ClinGen allele CA5084453.
Genomic context (GRCh38, chr9:74,786,026, plus strand): 5'-AGTAGATCAGTCTTCCCGCTGTGTGAAAAGGAGGGTCACCCCATCGAAGGACGAAGCCAG[C>A]TGAAAACAGGCCAATGGCCACAGTTTCTGTTAAGTTCCAGTACTCACTAATCCATACCTT-3'
Protein context (NP_060132.3, residues 913-933): TETVAIGLFS[Ala923Ser]GFVLRWGDPP